The following is an entry in ClinVar:

NM_000059.4(BRCA2):c.6706del (p.Glu2236fs)

Gene: BRCA2 (BRCA2 DNA repair associated; plus strand). Cytogenetic location: 13q13.1.
Variant type: Deletion.
Coding change: c.6706del on transcript NM_000059.4 (MANE Select); coding-DNA position 6706, one base deleted (G; older notation c.6706delG).
Protein change: p.Glu2236fs; shifts the reading frame from glutamic acid 2236.
Molecular consequence: frameshift variant.
Genome position (GRCh38, 1-based): chr13:32,341,061, G deleted; the last of 2 consecutive G bases (chr13:32,341,060-32,341,061); deleting either gives the same sequence. VCF-style (leftmost placement, unchanged base first): chr13-32341059-TG-T. GRCh37 (hg19) VCF-style: chr13-32915196-TG-T.
Other names: short protein forms E2236fs.
Identifiers: ClinVar variation 3721265 (VCV003721265.6).
Genomic context (GRCh38, chr13:32,341,059, plus strand): 5'-ACTCCAAAGATTCAGAAAACTACTTTGAAACAGAAGCAGTAGAAATTGCTAAAGCTTTTA[TG>T]GAAGATGATGAACTGACAGATTCTAAACTGCCAAGTCATGCCACACATTCTCTTTTTACA-3'

ClinVar aggregate classification (germline): Pathogenic. Review status: criteria provided, multiple submitters, no conflicts (2 of 4 stars). 2 submissions from 2 submitters: Pathogenic (2). Last evaluated 2024-06-12.

Conditions:
Hereditary breast ovarian cancer syndrome. Also called: Hereditary breast and ovarian cancer syndrome; Hereditary breast and ovarian cancer; Hereditary breast and ovarian cancer syndrome (HBOC); Breast and ovarian cancer; Hereditary breast and/or ovarian cancer syndrome; BRCA1- and BRCA2-Associated Hereditary Breast and Ovarian Cancer. Identifiers: Orphanet 145, MedGen C0677776, MeSH D061325, MONDO:0003582. Disease mechanism: loss of function.
Wilms tumor 1 (WT1). Also called: Wilms tumor, somatic. Identifiers: Orphanet 654, MedGen CN033288, MONDO:0008679, OMIM 194070.
Glioma susceptibility 3 (GLM3). Also called: Glioblastoma 3. Identifiers: Orphanet 182067, Orphanet 360, MedGen C2751641, MONDO:0013093, OMIM 613029.
Medulloblastoma (MDB). Also called: Medulloblastoma, somatic; MEDULLOBLASTOMA PREDISPOSITION SYNDROME. Identifiers: Orphanet 616, MedGen C0025149, MeSH D008527, MONDO:0007959, OMIM 155255, HP:0002885.
Breast-ovarian cancer, familial, susceptibility to, 2 (BROVCA2). Also called: BRCA2 Hereditary Breast and Ovarian Cancer. Identifiers: Orphanet 145, MedGen C2675520, MONDO:0012933, OMIM 612555. Disease mechanism: loss of function.
Pancreatic cancer, susceptibility to, 2. Identifiers: Orphanet 1333, MedGen C3150546, MONDO:0013235, OMIM 613347.
Fanconi anemia complementation group D1. Also called: BRCA2-Related Fanconi Anemia. Identifiers: Orphanet 319462, MedGen C1838457, MONDO:0011584, OMIM 605724.
Familial prostate cancer. Also called: Hereditary Prostate Cancer. Identifiers: MedGen C2931456, MONDO:0700275, OMIM 176807.
Familial cancer of breast. Also called: BREAST CANCER, FAMILIAL; Hereditary breast cancer; hereditary breast carcinoma. Identifiers: Orphanet 227535, MedGen C0346153, MONDO:0016419, OMIM 114480. Disease mechanism: loss of function.

Submissions (2):

Labcorp Genetics (formerly Invitae), Labcorp
Classification: Pathogenic for Hereditary breast ovarian cancer syndrome. Last evaluated: 2024-06-12. Review status: criteria provided, single submitter. Criteria: Invitae Variant Classification Sherloc (09022015). Collection method: clinical testing. Allele origin: germline.
Comment: This sequence change creates a premature translational stop signal (p.Glu2236Lysfs*5) in the BRCA2 gene. It is expected to result in an absent or disrupted protein product. Loss-of-function variants in BRCA2 are known to be pathogenic (PMID: 20104584). This variant is not present in population databases (gnomAD no frequency). This premature translational stop signal has been observed in individual(s) with breast cancer (PMID: 28724667, 29752822). This variant is also known as c.6705delG (p.M2235fs). For these reasons, this variant has been classified as Pathogenic.

Juno Genomics, Hangzhou Juno Genomics, Inc
Classification: Pathogenic for Wilms tumor 1; Familial cancer of breast; Breast-ovarian cancer, familial, susceptibility to, 2; Glioma susceptibility 3; Medulloblastoma; Pancreatic cancer, susceptibility to, 2; Familial prostate cancer; Fanconi anemia complementation group D1. Review status: criteria provided, single submitter. Criteria: ACMG Guidelines, 2015. Collection method: clinical testing. Allele origin: germline.
Comment: Absent from controls (or at extremely low frequency if recessive) in Genome Aggregation Database.;Null variant in a gene where loss of function (LOF) is a known mechanism of disease.;Novel missense change at an amino acid residue where a different missense change determined to be pathogenic has been seen before.

Literature cited by the submitters: PubMed 20104584 (cited by Labcorp Genetics (formerly Invitae), Labcorp); PubMed 28724667 (cited by Labcorp Genetics (formerly Invitae), Labcorp); PubMed 29752822 (cited by Labcorp Genetics (formerly Invitae), Labcorp).